The following is an entry in ClinVar:

NM_030640.3(DUSP16):c.768C>T (p.Ile256=)

Gene: DUSP16 (dual specificity phosphatase 16; minus strand). Cytogenetic location: 12p13.2.
Variant type: single nucleotide variant.
Coding change: c.768C>T on transcript NM_030640.3 (MANE Select); coding-DNA position 768, C replaced by T.
Protein change: p.Ile256=; no amino-acid change (isoleucine 256 retained).
Molecular consequence: synonymous variant.
Genome position (GRCh38, 1-based): chr12:12,480,270, G>A on the plus strand (C>T on the coding strand, the complement: DUSP16 is on the minus strand). VCF-style: chr12-12480270-G-A. GRCh37 (hg19) VCF-style: chr12-12633204-G-A.
Identifiers: ClinVar variation 2642739 (VCV002642739.24), dbSNP rs61758451, ClinGen allele CA6456826.

ClinVar aggregate classification (germline): Likely benign (1 of 4 stars; one submission).

Allele frequency attached by ClinVar (database versions not stated): 1000 Genomes Project 30x 0.00203; 1000 Genomes Project 0.00220; gnomAD 0.00455; ExAC 0.00498; TOPMed 0.00507; ESP Exome Variant Server 0.00538; gnomAD exomes 0.00643.
gnomAD v4.1: 10,224 of 1,614,172 alleles (0.63%); highest among the groups gnomAD compares: Middle Eastern, 1.2%; 43 homozygotes.

Submission:

CeGaT Center for Human Genetics Tuebingen
Classification: Likely benign. Last evaluated: 2023-02-01. Review status: criteria provided, single submitter. Criteria: CeGaT Center For Human Genetics Tuebingen Variant Classification Criteria Version 2. Collection method: clinical testing. Allele origin: germline. Affected: yes. Observed: 1 variant allele.
Comment: DUSP16: BP4, BP7, BS2